The following is an entry in ClinVar:

NM_004360.5(CDH1):c.719A>G (p.Asn240Ser)

Gene: CDH1 (cadherin 1; plus strand). Cytogenetic location: 16q22.1.
Variant type: single nucleotide variant.
Coding change: c.719A>G on transcript NM_004360.5 (MANE Select); coding-DNA position 719, A replaced by G.
Protein change: p.Asn240Ser; replaces asparagine 240 with serine.
Molecular consequence: missense variant. On other transcripts: 5 prime UTR variant (2).
Genome position (GRCh38, 1-based): chr16:68,810,228, A>G. VCF-style: chr16-68810228-A-G. GRCh37 (hg19) VCF-style: chr16-68844131-A-G.
Other names: c.719A>G (LRG_301t1); c.719A>G, p.Asn240Ser (NM_001317184.2); c.-897A>G (NM_001317185.2); c.-1101A>G (NM_001317186.2); short protein forms N240S.
Identifiers: ClinVar variation 136069 (VCV000136069.25), dbSNP rs587780788, ClinGen allele CA332839.

ClinVar aggregate classification (germline): Conflicting classifications of pathogenicity. Review status: criteria provided, conflicting classifications (1 of 4 stars). 10 submissions from 10 submitters: Uncertain significance (8); Likely benign (1). 1 of the submissions does not count toward it. Last evaluated 2025-11-24.

Conditions:
CDH1-related disorder. Also called: CDH1-related condition.
Hereditary cancer-predisposing syndrome. Also called: Tumor predisposition; Hereditary neoplastic syndrome; Neoplastic Syndromes, Hereditary; Hereditary Cancer Syndrome. Identifiers: Orphanet 140162, MedGen C0027672, MeSH D009386, MONDO:0015356.
Hereditary diffuse gastric adenocarcinoma (HDGC). Also called: DIFFUSE GASTRIC AND LOBULAR BREAST CANCER SYNDROME. Identifiers: Orphanet 26106, MedGen C1708349, MONDO:0007648, OMIM 137215.

Allele frequency attached by ClinVar (database versions not stated): gnomAD exomes below 0.00001; TOPMed below 0.00001.

Submissions (10):

Labcorp Genetics (formerly Invitae), Labcorp
Classification: Uncertain significance for Hereditary diffuse gastric adenocarcinoma. Last evaluated: 2025-11-24. Review status: criteria provided, single submitter. Criteria: Invitae Variant Classification Sherloc (09022015). Collection method: clinical testing. Allele origin: germline.
Comment: This sequence change replaces asparagine, which is neutral and polar, with serine, which is neutral and polar, at codon 240 of the CDH1 protein (p.Asn240Ser). This variant is not present in population databases (gnomAD no frequency). This missense change has been observed in individual(s) with breast cancer (PMID: 36436516). ClinVar contains an entry for this variant (Variation ID: 136069). An algorithm developed to predict the effect of missense changes on protein structure and function (PolyPhen-2) suggests that this variant is likely to be tolerated. In summary, the available evidence is currently insufficient to determine the role of this variant in disease. Therefore, it has been classified as a Variant of Uncertain Significance.

Color Diagnostics, LLC DBA Color Health
Classification: Uncertain significance for Hereditary cancer-predisposing syndrome. Last evaluated: 2025-02-24. Review status: criteria provided, single submitter. Criteria: ACMG Guidelines, 2015. Collection method: clinical testing. Allele origin: germline.
Comment: This missense variant replaces asparagine with serine at codon 240 of the CDH1 protein. Computational prediction suggests that this variant may not impact protein structure and function. To our knowledge, functional studies have not been performed for this variant. This variant has been reported in an individual affected with breast cancer (PMID: 36436516). This variant has not been identified in the general population by the Genome Aggregation Database (gnomAD). The available evidence is insufficient to determine the role of this variant in disease conclusively. Therefore, this variant is classified as a Variant of Uncertain Significance.

PreventionGenetics, part of Exact Sciences
Classification: Uncertain significance for CDH1-related condition. Last evaluated: 2023-09-29. Review status: criteria provided, single submitter. Criteria: ACMG Guidelines, 2015. Collection method: clinical testing. Allele origin: germline.
Comment: The CDH1 c.719A>G variant is predicted to result in the amino acid substitution p.Asn240Ser. To our knowledge, this variant has not been reported in the literature or in a large population database, indicating this variant is rare. In ClinVar, this variant has been interpreted as uncertain. At this time, the clinical significance of this variant is uncertain due to the absence of conclusive functional and genetic evidence.

Myriad Genetics, Inc.
Classification: Uncertain significance for Hereditary diffuse gastric adenocarcinoma. Last evaluated: 2023-03-06. Review status: criteria provided, single submitter. Criteria: Myriad Autosomal Dominant, Autosomal Recessive and X-Linked Classification Criteria (2023). Collection method: clinical testing. Allele origin: unknown.
Comment: This variant is classified as a variant of uncertain significance as there is insufficient evidence to determine its impact on protein function and/or cancer risk.

Ambry Genetics
Classification: Likely benign for Hereditary cancer-predisposing syndrome. Last evaluated: 2022-11-16. Review status: criteria provided, single submitter. Criteria: Ambry Variant Classification Scheme 2023. Collection method: clinical testing. Allele origin: germline.

European Reference Network on Genetic Tumour Risk Syndromes (ERN-GENTURIS), i3s - Instituto de Investigação e Inovação em Saúde, University of Porto
Classification: Uncertain significance for Hereditary diffuse gastric adenocarcinoma. Last evaluated: 2022-08-01. Review status: criteria provided, single submitter. Criteria: Lee et al. (Hum Mutat. 2018). Collection method: clinical testing. Allele origin: germline. Inheritance: Autosomal dominant inheritance. Affected: no. Study: ERN GENTURIS.
Comment: PM2 (PMID: 30311375)

Women's Health and Genetics/Laboratory Corporation of America, LabCorp
Classification: Uncertain significance. Last evaluated: 2020-03-20. Review status: criteria provided, single submitter. Criteria: LabCorp Variant Classification Summary - May 2015. Collection method: clinical testing. Allele origin: germline.
Comment: Variant summary: CDH1 c.719A>G (p.Asn240Ser) results in a conservative amino acid change located in the Cadherin-like domain (IPR002126) of the encoded protein sequence. Five of five in-silico tools predict a benign effect of the variant on protein function. The variant was absent in 251458 control chromosomes (gnomAD). The available data on variant occurrences in the general population are insufficient to allow any conclusion about variant significance. To our knowledge, no occurrence of c.719A>G in individuals affected with Breast Cancer and no experimental evidence demonstrating its impact on protein function have been reported. Six clinical diagnostic laboratories have submitted clinical-significance assessments for this variant to ClinVar after 2014 without evidence for independent evaluation. All laboratories classified the variant as uncertain significance. Based on the evidence outlined above, the variant was classified as uncertain significance.

Quest Diagnostics Nichols Institute San Juan Capistrano
Classification: Uncertain significance. Last evaluated: 2017-01-16. Review status: criteria provided, single submitter. Criteria: Quest Diagnostics criteria. Collection method: clinical testing. Allele origin: germline.

GeneDx
Classification: Uncertain significance. Last evaluated: 2015-04-24. Review status: criteria provided, single submitter. Criteria: GeneDx Variant Classification (06012015). Collection method: clinical testing. Allele origin: germline. Affected: yes.
Comment: This variant is denoted CDH1 c.719A>G at the cDNA level, p.Asn240Ser (N240S) at the protein level, and results in the change of an Asparagine to a Serine (AAT>AGT). This variant has not, to our knowledge, been published in the literature as pathogenic or benign. CDH1 Asn240Ser was not observed in approximately 6,500 individuals of European and African American ancestry in the NHLBI Exome Sequencing Project, indicating it is not a common benign variant in these populations. Since Asparagine and Serine share similar properties, this is considered a conservative amino acid substitution. CDH1 Asn240Ser occurs at a position that is not conserved across species and is located in the Cadherin 1 domain (UniProt). In silico analyses predict that this variant is unlikely to alter protein structure or function. Based on currently available information, it is unclear whether CDH1 Asn240Ser is pathogenic or benign. We consider it to be a variant of uncertain significance.

Counsyl
Classification: Uncertain significance for Hereditary diffuse gastric adenocarcinoma. Last evaluated: 2017-10-27. Review status: no assertion criteria provided. Collection method: clinical testing. Allele origin: unknown. Not counted in ClinVar's aggregate classification.

Literature cited by the submitters: PubMed 36436516 (cited by 3 submitters).